The following is an entry in ClinVar:

ClinVar aggregate classification (germline): Uncertain significance. Review status: criteria provided, multiple submitters, no conflicts (2 of 4 stars). 2 submissions from 2 submitters: Uncertain significance (2). Last evaluated 2023-10-27.

Conditions:
Tuberous sclerosis 2 (TSC2). Identifiers: Orphanet 805, MedGen C1860707, MONDO:0013199, OMIM 613254.
Hereditary cancer-predisposing syndrome. Also called: Neoplastic Syndromes, Hereditary; Hereditary Cancer Syndrome; Tumor predisposition; Hereditary neoplastic syndrome. Identifiers: Orphanet 140162, MedGen C0027672, MeSH D009386, MONDO:0015356.

Submissions (2):

Labcorp Genetics (formerly Invitae), Labcorp
Classification: Uncertain significance for Tuberous sclerosis 2. Last evaluated: 2023-10-27. Review status: criteria provided, single submitter. Criteria: Invitae Variant Classification Sherloc (09022015). Collection method: clinical testing. Allele origin: germline.
Comment: This sequence change replaces lysine, which is basic and polar, with asparagine, which is neutral and polar, at codon 561 of the TSC2 protein (p.Lys561Asn). This variant is not present in population databases (gnomAD no frequency). This variant has not been reported in the literature in individuals affected with TSC2-related conditions. ClinVar contains an entry for this variant (Variation ID: 2564673). Advanced modeling of protein sequence and biophysical properties (such as structural, functional, and spatial information, amino acid conservation, physicochemical variation, residue mobility, and thermodynamic stability) performed at Invitae indicates that this missense variant is not expected to disrupt TSC2 protein function with a negative predictive value of 95%. In summary, the available evidence is currently insufficient to determine the role of this variant in disease. Therefore, it has been classified as a Variant of Uncertain Significance.

Ambry Genetics
Classification: Uncertain significance for Hereditary cancer-predisposing syndrome. Last evaluated: 2023-04-18. Review status: criteria provided, single submitter. Criteria: Ambry Variant Classification Scheme 2023. Collection method: clinical testing. Allele origin: germline.
Comment: The p.K561N variant (also known as c.1683G>T), located in coding exon 15 of the TSC2 gene, results from a G to T substitution at nucleotide position 1683. The lysine at codon 561 is replaced by asparagine, an amino acid with similar properties. This amino acid position is conserved. In addition, this alteration is predicted to be tolerated by in silico analysis. Since supporting evidence is limited at this time, the clinical significance of this alteration remains unclear.

NM_000548.5(TSC2):c.1683G>T (p.Lys561Asn)

Gene: TSC2 (TSC complex subunit 2; plus strand). Cytogenetic location: 16p13.3.
Variant type: single nucleotide variant.
Coding change: c.1683G>T on transcript NM_000548.5 (MANE Select); coding-DNA position 1683, G replaced by T.
Protein change: p.Lys561Asn; replaces lysine 561 with asparagine.
Molecular consequence: missense variant. On other transcripts: non-coding transcript variant (5).
Genome position (GRCh38, 1-based): chr16:2,065,602, G>T. VCF-style: chr16-2065602-G-T. GRCh37 (hg19) VCF-style: chr16-2115603-G-T.
Other names: c.1683G>T, p.Lys561Asn (NM_001077183.3, NM_001114382.3, NM_001363528.2 and 6 more transcripts); c.1572G>T, p.Lys524Asn (NM_001318827.2, NM_001406670.1, NM_001406678.1); c.1536G>T, p.Lys512Asn (NM_001318829.2, NM_001406675.1, NM_001406676.1 and 1 more transcripts); c.1083G>T, p.Lys361Asn (NM_001318831.2, NM_001406683.1, NM_001406684.1 and 6 more transcripts); c.1716G>T, p.Lys572Asn (NM_001318832.2); c.1773G>T, p.Lys591Asn (NM_001406667.1, NM_001406668.1); c.339G>T, p.Lys113Asn (NM_001406689.1, NM_001406690.1, NM_001406691.1 and 6 more transcripts); c.81G>T, p.Lys27Asn (NM_001406698.1); and 3 more; short protein forms K361N, K407N, K512N, K572N, K113N, K27N, K524N, K542N.
Identifiers: ClinVar variation 2564673 (VCV002564673.5), dbSNP rs2087238377, ClinGen allele CA394270525.